The following is an entry in ClinVar:

NM_005654.6(NR2F1):c.85G>A (p.Ala29Thr)

Genes: NR2F1 (nuclear receptor subfamily 2 group F member 1; plus strand), NR2F1-AS1 (NR2F1 regulatory antisense RNA 1; minus strand). Cytogenetic location: 5q15.
Variant type: single nucleotide variant.
Coding change: c.85G>A on transcript NM_005654.6 (MANE Select); coding-DNA position 85, G replaced by A.
Protein change: p.Ala29Thr; replaces alanine 29 with threonine.
Molecular consequence: missense variant.
Genome position (GRCh38, 1-based): chr5:93,585,108, G>A. VCF-style: chr5-93585108-G-A. GRCh37 (hg19) VCF-style: chr5-92920814-G-A.
Other names: short protein forms A29T.
Identifiers: ClinVar variation 2446068 (VCV002446068.1), dbSNP rs1753205770, ClinGen allele CA360525491.

ClinVar aggregate classification (germline): Uncertain significance (1 of 4 stars; one submission).

Allele frequency attached by ClinVar (database versions not stated): gnomAD exomes below 0.00001; TOPMed below 0.00001.
gnomAD v4.1: 1 of 995,554 alleles (0.0001%); highest among the groups gnomAD compares: Non-Finnish European, 0.00012%; no homozygotes.

Submission:

GeneDx
Classification: Uncertain significance. Last evaluated: 2022-09-22. Review status: criteria provided, single submitter. Criteria: GeneDx Variant Classification Process June 2021. Collection method: clinical testing. Allele origin: germline. Affected: yes.
Comment: Not observed at significant frequency in large population cohorts (gnomAD); In silico analysis supports that this missense variant does not alter protein structure/function; Has not been previously published as pathogenic or benign to our knowledge